The following is an entry in ClinVar:

NM_001378454.1(ALMS1):c.11225A>T (p.Glu3742Val)

Gene: ALMS1 (ALMS1 centrosome and basal body associated protein; plus strand). Cytogenetic location: 2p13.1.
Variant type: single nucleotide variant.
Coding change: c.11225A>T on transcript NM_001378454.1 (MANE Select); coding-DNA position 11225, A replaced by T.
Protein change: p.Glu3742Val; replaces glutamic acid 3742 with valine.
Molecular consequence: missense variant.
Genome position (GRCh38, 1-based): chr2:73,573,102, A>T. VCF-style: chr2-73573102-A-T. GRCh37 (hg19) VCF-style: chr2-73800229-A-T.
Other names: c.11228A>T, p.Glu3743Val (NM_015120.4); short protein forms E3742V, E3743V.
Identifiers: ClinVar variation 1394656 (VCV001394656.6), dbSNP rs1674978014, ClinGen allele CA347288382.

ClinVar aggregate classification (germline): Uncertain significance (1 of 4 stars; one submission).

Conditions:
Alstrom syndrome (ALMS). Identifiers: Orphanet 64, MedGen C0268425, MONDO:0008763, OMIM 203800.

Allele frequency attached by ClinVar (database versions not stated): TOPMed 0.00001.
gnomAD v4.1: 1 of 1,614,118 alleles (0.000062%); no homozygotes.

Submission:

Labcorp Genetics (formerly Invitae), Labcorp
Classification: Uncertain significance for Alstrom syndrome. Last evaluated: 2022-08-16. Review status: criteria provided, single submitter. Criteria: Invitae Variant Classification Sherloc (09022015). Collection method: clinical testing. Allele origin: germline.
Comment: This sequence change replaces glutamic acid, which is acidic and polar, with valine, which is neutral and non-polar, at codon 3743 of the ALMS1 protein (p.Glu3743Val). In summary, the available evidence is currently insufficient to determine the role of this variant in disease. Therefore, it has been classified as a Variant of Uncertain Significance. This variant is not present in population databases (gnomAD no frequency). This variant has not been reported in the literature in individuals affected with ALMS1-related conditions. ClinVar contains an entry for this variant (Variation ID: 1394656). Experimental studies and prediction algorithms are not available or were not evaluated, and the functional significance of this variant is currently unknown.